The following is an entry in ClinVar:

NM_147127.5(EVC2):c.707-2A>C

Gene: EVC2 (EvC ciliary complex subunit 2; minus strand). Cytogenetic location: 4p16.2.
Variant type: single nucleotide variant.
Coding change: c.707-2A>C on transcript NM_147127.5 (MANE Select); the canonical splice acceptor site of the intron before coding-DNA position 707, A replaced by C.
Molecular consequence: splice acceptor variant.
Genome position (GRCh38, 1-based): chr4:5,685,481, T>G on the plus strand (A>C on the coding strand, the complement: EVC2 is on the minus strand). VCF-style: chr4-5685481-T-G. GRCh37 (hg19) VCF-style: chr4-5687208-T-G.
Other names: c.467-2A>C (NM_001166136.2).
Identifiers: ClinVar variation 653886 (VCV000653886.8), dbSNP rs1302074641, ClinGen allele CA356147105.
Genomic context (GRCh38, chr4:5,685,481, plus strand): 5'-GTTCCCGAGGTCTCCAGCCTGGAGCGTGGCTGCGTAGCTGACAGCAAAGGCATCTCCCAC[T>G]GCGCAGAGAAAAGCACATGTGACTCAGGGAGGGCTTGGCCACGCCCCCGGCTGCACCCCA-3'

ClinVar aggregate classification (germline): Pathogenic (1 of 4 stars; one submission).

Conditions:
Curry-Hall syndrome (WAD). Also called: WEYERS ACRODENTAL DYSOSTOSIS. Identifiers: Orphanet 952, MedGen C0457013, MONDO:0008673, OMIM 193530.
Ellis-van Creveld syndrome (EVC). Also called: Chondroectodermal dysplasia; EVC-Related Ellis-van Creveld Syndrome; EVC2-Related Ellis-van Creveld Syndrome; MESOECTODERMAL DYSPLASIA. Identifiers: Orphanet 289, MedGen C0013903, MONDO:0009162, OMIM 225500.

gnomAD v4.1: 1 of 1,613,916 alleles (0.000062%); highest among the groups gnomAD compares: Non-Finnish European, 0.000085%; no homozygotes.

Submission:

Labcorp Genetics (formerly Invitae), Labcorp
Classification: Pathogenic for Curry-Hall syndrome; Ellis-van Creveld syndrome. Last evaluated: 2022-12-22. Review status: criteria provided, single submitter. Criteria: Invitae Variant Classification Sherloc (09022015). Collection method: clinical testing. Allele origin: germline.
Comment: For these reasons, this variant has been classified as Pathogenic. Algorithms developed to predict the effect of sequence changes on RNA splicing suggest that this variant may disrupt the consensus splice site. ClinVar contains an entry for this variant (Variation ID: 653886). Disruption of this splice site has been observed in individual(s) with autosomal recessive Ellis-van Creveld syndrome (PMID: 21815252). In at least one individual the data is consistent with being in trans (on the opposite chromosome) from a pathogenic variant. This variant is not present in population databases (gnomAD no frequency). This sequence change affects an acceptor splice site in intron 5 of the EVC2 gene. It is expected to disrupt RNA splicing. Variants that disrupt the donor or acceptor splice site typically lead to a loss of protein function (PMID: 16199547), and loss-of-function variants in EVC2 are known to be pathogenic (PMID: 17024374, 19810119, 19876929).

Literature cited by the submitters: PubMed 21815252; PubMed 16199547; PubMed 17024374; PubMed 19810119; PubMed 19876929.